The following is an entry in ClinVar:

NM_000340.2(SLC2A2):c.156_181dup (p.Ile61fs)

Gene: SLC2A2 (solute carrier family 2 member 2; minus strand). Cytogenetic location: 3q26.2.
Variant type: Duplication.
Coding change: c.156_181dup on transcript NM_000340.2 (MANE Select); coding-DNA positions 156 to 181, 26 bases duplicated (CCGAAAAGCTATCAACAACTATGTTA).
Protein change: p.Ile61fs; shifts the reading frame from isoleucine 61.
Molecular consequence: frameshift variant. On other transcripts: 5 prime UTR variant (1), intron variant (1).
Genome position (GRCh38, 1-based): chr3:171,014,659-171,014,684, TAACATAGTTGTTGATAGCTTTTCGG duplicated on the plus strand (CCGAAAAGCTATCAACAACTATGTTA on the coding strand, the reverse complement: SLC2A2 is on the minus strand); duplicating any 26 consecutive bases within chr3:171,014,659-171,014,685 gives the same sequence; the c. name uses the placement nearest the transcript's 3' end. VCF-style (leftmost placement, unchanged base first): chr3-171014658-A-ATAACATAGTTGTTGATAGCTTTTCGG. GRCh37 (hg19) VCF-style: chr3-170732447-A-ATAACATAGTTGTTGATAGCTTTTCGG.
Other names: c.156_181dup26 (NM_000340.1); c.-239_-214dup (NM_001278659.2); c.14+3847_14+3872dup (NM_001278658.2); short protein forms I61fs.
Identifiers: ClinVar variation 855137 (VCV000855137.22), dbSNP rs1447936042, ClinGen allele CA548333486.

ClinVar aggregate classification (germline): Pathogenic/Likely pathogenic. Review status: criteria provided, multiple submitters, no conflicts (2 of 4 stars). 3 submissions from 3 submitters: Pathogenic (1); Likely pathogenic (1). 1 of the submissions does not count toward it. Last evaluated 2025-01-29.

Conditions:
SLC2A2-related disorder. Also called: SLC2A2-related condition.
Type 2 diabetes mellitus. Also called: Type II diabetes mellitus. Identifiers: MedGen C0011860, MeSH D003924, MONDO:0005148, OMIM 125853, HP:0005978.
Fanconi-Bickel syndrome (FBS). Also called: FANCONI SYNDROME WITH INTESTINAL MALABSORPTION AND GALACTOSE INTOLERANCE; HEPATIC GLYCOGENOSIS WITH AMINO ACIDURIA AND GLUCOSURIA; HEPATIC GLYCOGENOSIS WITH FANCONI NEPHROPATHY; HEPATORENAL GLYCOGENOSIS WITH RENAL FANCONI SYNDROME; PSEUDO-PHLORIZIN DIABETES; Glycogen storage disease due to GLUT2 deficiency. Identifiers: Orphanet 2088, MedGen C3495427, MONDO:0009216, OMIM 227810.

Submissions (3):

Labcorp Genetics (formerly Invitae), Labcorp
Classification: Pathogenic for Fanconi-Bickel syndrome. Last evaluated: 2025-01-29. Review status: criteria provided, single submitter. Criteria: Invitae Variant Classification Sherloc (09022015). Collection method: clinical testing. Allele origin: germline.
Comment: This sequence change creates a premature translational stop signal (p.Ile61Thrfs*23) in the SLC2A2 gene. It is expected to result in an absent or disrupted protein product. Loss-of-function variants in SLC2A2 are known to be pathogenic (PMID: 11810292). This variant is present in population databases (no rsID available, gnomAD 0.002%). This variant has not been reported in the literature in individuals affected with SLC2A2-related conditions. ClinVar contains an entry for this variant (Variation ID: 855137). For these reasons, this variant has been classified as Pathogenic.

Fulgent Genetics
Classification: Likely pathogenic for Type 2 diabetes mellitus; Fanconi-Bickel syndrome. Last evaluated: 2024-02-08. Review status: criteria provided, single submitter. Criteria: ACMG Guidelines, 2015. Collection method: clinical testing. Allele origin: germline.

PreventionGenetics, part of Exact Sciences
Classification: Likely pathogenic for SLC2A2-related condition. Last evaluated: 2024-08-12. Review status: no assertion criteria provided. Collection method: clinical testing. Allele origin: germline. Not counted in ClinVar's aggregate classification.
Comment: The SLC2A2 c.156_181dup26 variant is predicted to result in a frameshift and premature protein termination (p.Ile61Thrfs*23). To our knowledge, this variant has not been associated with disease in the literature. This variant is reported in 0.0023% of alleles in individuals of European (Non-Finnish) descent in gnomAD. Frameshift variants in SLC2A2 are expected to be pathogenic. This variant is interpreted as likely pathogenic.

Literature cited by the submitters: PubMed 11810292 (cited by Labcorp Genetics (formerly Invitae), Labcorp).